The following is an entry in ClinVar:

ClinVar aggregate classification (germline): Benign/Likely benign. Review status: criteria provided, multiple submitters, no conflicts (2 of 4 stars). 3 submissions from 3 submitters: Benign (2); Likely benign (1). Last evaluated 2023-07-01.

Allele frequency attached by ClinVar (database versions not stated): 1000 Genomes Project 30x 0.00234; 1000 Genomes Project 0.00260; gnomAD exomes 0.00468; ExAC 0.00479; TOPMed 0.00517; ESP Exome Variant Server 0.00700.
gnomAD v4.1: 9,890 of 1,613,310 alleles (0.61%); highest among the groups gnomAD compares: Non-Finnish European, 0.74%; 51 homozygotes.

Submissions (3):

CeGaT Center for Human Genetics Tuebingen
Classification: Likely benign. Last evaluated: 2023-07-01. Review status: criteria provided, single submitter. Criteria: CeGaT Center For Human Genetics Tuebingen Variant Classification Criteria Version 2. Collection method: clinical testing. Allele origin: germline. Affected: yes. Observed: 2 variant alleles.
Comment: PBRM1: BP4, BP7, BS2

Labcorp Genetics (formerly Invitae), Labcorp
Classification: Benign. Last evaluated: 2018-05-25. Review status: criteria provided, single submitter. Criteria: Invitae Variant Classification Sherloc (09022015). Collection method: clinical testing. Allele origin: germline.

Breakthrough Genomics
Classification: Benign. Review status: criteria provided, single submitter. Criteria: ACMG Guidelines, 2015. Collection method: not provided. Allele origin: germline. Inheritance: Unknown mechanism. Affected: yes.

NM_001405607.1(PBRM1):c.1479C>T (p.Ile493=)

Gene: PBRM1 (polybromo 1; minus strand). Cytogenetic location: 3p21.1.
Variant type: single nucleotide variant.
Coding change: c.1479C>T on transcript NM_001405607.1 (MANE Select); coding-DNA position 1479, C replaced by T.
Protein change: p.Ile493=; no amino-acid change (isoleucine 493 retained).
Molecular consequence: synonymous variant. On other transcripts: non-coding transcript variant (2), 5 prime UTR variant (3).
Genome position (GRCh38, 1-based): chr3:52,627,335, G>A on the plus strand (C>T on the coding strand, the complement: PBRM1 is on the minus strand). VCF-style: chr3-52627335-G-A. GRCh37 (hg19) VCF-style: chr3-52661351-G-A.
Other names: c.1383C>T, p.Ile461= (NM_018165.4, NM_001405582.1, NM_001405599.1 and 7 more transcripts); c.1479C>T, p.Ile493= (NM_018313.5, NM_181042.5, NM_001405578.1 and 72 more transcripts); c.1506C>T, p.Ile502= (NM_001405580.1, NM_001405586.1, NM_001405598.1 and 4 more transcripts); c.1335C>T, p.Ile445= (NM_001405587.1); c.1533C>T, p.Ile511= (NM_001405591.1, NM_001405600.1, NM_001405574.1 and 3 more transcripts); c.1410C>T, p.Ile470= (NM_001405595.1); c.-504C>T (NM_001405596.1, NM_001405566.1); c.1362C>T, p.Ile454= (NM_001405597.1); and 12 more.
Identifiers: ClinVar variation 770703 (VCV000770703.28), dbSNP rs147488144, ClinGen allele CA2444523.
Genomic context (GRCh38, chr3:52,627,335, plus strand): 5'-TTTTCTTTTGGCACTACCAGTATCAGAGGTGGCTGAAGAGATCATGCTGTCTCCGTCCTC[G>A]ATATCGTCTCTCCTGGCAAGCTCTTTCTTCTTTGCCTAAAACAGAGCAGATCTCAGGAGT-3'
Protein context (NP_001392536.1, residues 483-503): KKKELARRDD[Ile493=]EDGDSMISSA